The following is an entry in ClinVar:

NM_198576.4(AGRN):c.643T>G (p.Ser215Ala)

Genes: AGRN (agrin; plus strand), LOC129929077 (ATAC-STARR-seq lymphoblastoid silent region 23; plus strand). Cytogenetic location: 1p36.33.
Variant type: single nucleotide variant.
Coding change: c.643T>G on transcript NM_198576.4 (MANE Select); coding-DNA position 643, T replaced by G.
Protein change: p.Ser215Ala; replaces serine 215 with alanine.
Molecular consequence: missense variant.
Genome position (GRCh38, 1-based): chr1:1,040,796, T>G. VCF-style: chr1-1040796-T-G. GRCh37 (hg19) VCF-style: chr1-976176-T-G.
Other names: c.643T>G, p.Ser215Ala (NM_001305275.2); c.328T>G, p.Ser110Ala (NM_001364727.2); short protein forms S110A, S215A.
Identifiers: ClinVar variation 968265 (VCV000968265.6), dbSNP rs764152471, ClinGen allele CA507889.
Genomic context (GRCh38, chr1:1,040,796, plus strand): 5'-TGCGTCTGCAAGAAGAGCCCGTGCCCCAGCGTGGTGGCGCCTGTGTGTGGGTCGGACGCC[T>G]CCACCTACAGCAACGAATGCGAGCTGCAGCGGGCGCAGTGCAGCCAGCAGCGCCGCATCC-3'
Protein context (NP_940978.2, residues 205-225): VVAPVCGSDA[Ser215Ala]TYSNECELQR

ClinVar aggregate classification (germline): Uncertain significance. Review status: criteria provided, multiple submitters, no conflicts (2 of 4 stars). 2 submissions from 2 submitters: Uncertain significance (2). Last evaluated 2022-08-09.

Conditions:
Inborn genetic diseases. Identifiers: MedGen C0950123, MeSH D030342.
Congenital myasthenic syndrome 8. Also called: MYASTHENIC SYNDROME, CONGENITAL, DUE TO AGRIN DEFICIENCY; Myasthenic syndrome, congenital, 8, with pre- and postsynaptic defects. Identifiers: Orphanet 590, MedGen C3808739, MONDO:0014052, OMIM 615120.

Allele frequency attached by ClinVar (database versions not stated): ExAC below 0.00001; gnomAD exomes 0.00007 and 0.00012; TOPMed 0.00011; gnomAD 0.00014 and 0.00015; 1000 Genomes Project 30x 0.00016.
gnomAD v4.1: 185 of 1,537,420 alleles (0.012%); highest among the groups gnomAD compares: Non-Finnish European, 0.014%; no homozygotes.

Submissions (2):

Labcorp Genetics (formerly Invitae), Labcorp
Classification: Uncertain significance for Congenital myasthenic syndrome 8. Last evaluated: 2022-08-09. Review status: criteria provided, single submitter. Criteria: Invitae Variant Classification Sherloc (09022015). Collection method: clinical testing. Allele origin: germline.
Comment: This sequence change replaces serine, which is neutral and polar, with alanine, which is neutral and non-polar, at codon 215 of the AGRN protein (p.Ser215Ala). This variant is present in population databases (rs764152471, gnomAD 0.02%). This variant has not been reported in the literature in individuals affected with AGRN-related conditions. ClinVar contains an entry for this variant (Variation ID: 968265). Algorithms developed to predict the effect of missense changes on protein structure and function are either unavailable or do not agree on the potential impact of this missense change (SIFT: "Deleterious"; PolyPhen-2: "Benign"; Align-GVGD: "Class C0"). In summary, the available evidence is currently insufficient to determine the role of this variant in disease. Therefore, it has been classified as a Variant of Uncertain Significance.

Ambry Genetics
Classification: Uncertain significance for Inborn genetic diseases. Last evaluated: 2022-04-13. Review status: criteria provided, single submitter. Criteria: Ambry Variant Classification Scheme 2023. Collection method: clinical testing. Allele origin: germline.